The following is an entry in ClinVar:

NM_133497.4(KCNV2):c.183_184delinsGA (p.Glu62Lys)

Gene: KCNV2 (potassium voltage-gated channel modifier subfamily V member 2; plus strand). Cytogenetic location: 9p24.2.
Variant type: Indel.
Coding change: c.183_184delinsGA on transcript NM_133497.4 (MANE Select); coding-DNA positions 183 to 184, CG replaced by GA.
Protein change: p.Glu62Lys; replaces glutamic acid 62 with lysine.
Molecular consequence: missense variant.
Genome position (GRCh38, 1-based): chr9:2,717,922-2,717,923, CG replaced by GA. VCF-style: chr9-2717922-CG-GA. GRCh37 (hg19) VCF-style: chr9-2717922-CG-GA.
Other names: short protein forms E62K.
Identifiers: ClinVar variation 863091 (VCV000863091.7), dbSNP rs1819765042, ClinGen allele CA916083036.
Genomic context (GRCh38, chr9:2,717,922, plus strand): 5'-CAGCATCCACGGCTGGACAGAGGGCAACTATAACTACTACATCGAGGAAGACGAAGACGG[CG>GA]AGGAGGAGGACCAGTGGAAGGACGACCTGGCAGAAGAGGACCAGCAGGCAGGGGAGGTCA-3'
Protein context (NP_598004.1, residues 52-72): NYYIEEDEDG[Glu62Lys]EEDQWKDDLA

ClinVar aggregate classification (germline): Uncertain significance (1 of 4 stars; one submission).

Submission:

Labcorp Genetics (formerly Invitae), Labcorp
Classification: Uncertain significance. Last evaluated: 2022-10-24. Review status: criteria provided, single submitter. Criteria: Invitae Variant Classification Sherloc (09022015). Collection method: clinical testing. Allele origin: germline.
Comment: This sequence change replaces glutamic acid, which is acidic and polar, with lysine, which is basic and polar, at codon 62 of the KCNV2 protein (p.Glu62Lys). Information on the frequency of this variant in the gnomAD database is not available, as this variant may be reported differently in the database. This variant has not been reported in the literature in individuals affected with KCNV2-related conditions. ClinVar contains an entry for this variant (Variation ID: 863091). Experimental studies and prediction algorithms are not available or were not evaluated, and the functional significance of this variant is currently unknown. In summary, the available evidence is currently insufficient to determine the role of this variant in disease. Therefore, it has been classified as a Variant of Uncertain Significance.